The following is an entry in ClinVar:

NM_004260.4(RECQL4):c.118+3G>A

Genes: RECQL4 (RecQ like helicase 4; minus strand), LOC130001411 (ATAC-STARR-seq lymphoblastoid silent region 19699; plus strand). Cytogenetic location: 8q24.3.
Variant type: single nucleotide variant.
Coding change: c.118+3G>A on transcript NM_004260.4 (MANE Select); 3 bases into the intron after coding-DNA position 118, G replaced by A.
Molecular consequence: intron variant.
Genome position (GRCh38, 1-based): chr8:144,517,599, C>T on the plus strand (G>A on the coding strand, the complement: RECQL4 is on the minus strand). VCF-style: chr8-144517599-C-T. GRCh37 (hg19) VCF-style: chr8-145742983-C-T.
Identifiers: ClinVar variation 972348 (VCV000972348.7), dbSNP rs1815398834, ClinGen allele CA1139660840.

ClinVar aggregate classification (germline): Uncertain significance (1 of 4 stars; one submission).

Conditions:
Baller-Gerold syndrome (BGS). Also called: CRANIOSYNOSTOSIS WITH RADIAL DEFECTS. Identifiers: Orphanet 1225, MedGen C0265308, MONDO:0009039, OMIM 218600.

Submission:

Labcorp Genetics (formerly Invitae), Labcorp
Classification: Uncertain significance for Baller-Gerold syndrome. Last evaluated: 2021-05-07. Review status: criteria provided, single submitter. Criteria: Invitae Variant Classification Sherloc (09022015). Collection method: clinical testing. Allele origin: germline.
Comment: This sequence change falls in intron 2 of the RECQL4 gene. It does not directly change the encoded amino acid sequence of the RECQL4 protein. It affects a nucleotide within the consensus splice site of the intron. The frequency data for this variant in the population databases is considered unreliable, as metrics indicate insufficient coverage at this position in the ExAC database. This variant has not been reported in the literature in individuals with RECQL4-related conditions. ClinVar contains an entry for this variant (Variation ID: 972348). Nucleotide substitutions within the consensus splice site are a relatively common cause of aberrant splicing (PMID: 17576681, 9536098). Algorithms developed to predict the effect of sequence changes on RNA splicing suggest that this variant is not likely to affect RNA splicing, but this prediction has not been confirmed by published transcriptional studies. In summary, the available evidence is currently insufficient to determine the role of this variant in disease. Therefore, it has been classified as a Variant of Uncertain Significance.

Literature cited by the submitters: PubMed 17576681; PubMed 9536098.